The following is an entry in ClinVar:

NM_016507.4(CDK12):c.514A>G (p.Lys172Glu)

Genes: CDK12 (cyclin dependent kinase 12; plus strand), LOC126862553 (CDK7 strongly-dependent group 2 enhancer GRCh37_chr17:37618166-37619365; plus strand). Cytogenetic location: 17q12.
Variant type: single nucleotide variant.
Coding change: c.514A>G on transcript NM_016507.4 (MANE Select); coding-DNA position 514, A replaced by G.
Protein change: p.Lys172Glu; replaces lysine 172 with glutamic acid.
Molecular consequence: missense variant.
Genome position (GRCh38, 1-based): chr17:39,462,585, A>G. VCF-style: chr17-39462585-A-G. GRCh37 (hg19) VCF-style: chr17-37618838-A-G.
Other names: c.514A>G, p.Lys172Glu (NM_015083.4); short protein forms K172E.
Identifiers: ClinVar variation 3489395 (VCV003489395.1).
Genomic context (GRCh38, chr17:39,462,585, plus strand): 5'-AAGCGTTCGAATGAGGAGACTGATGACTATGGGAAGGCGCAGGTAGCCAAAAGCAGCAGC[A>G]AGGAATCCAGGTCATCCAAGCTCCACAAGGAGAAGACCAGGAAAGAACGGGAGCTGAAGT-3'
Protein context (NP_057591.2, residues 162-182): GKAQVAKSSS[Lys172Glu]ESRSSKLHKE

ClinVar aggregate classification (germline): Uncertain significance (1 of 4 stars; one submission).

gnomAD v4.1: 5 of 1,614,076 alleles (0.00031%); highest among the groups gnomAD compares: African/African-American, 0.0067%; no homozygotes.

Submission:

Ambry Genetics
Classification: Uncertain significance. Last evaluated: 2024-12-08. Review status: criteria provided, single submitter. Criteria: Ambry Variant Classification Scheme 2023. Collection method: clinical testing. Allele origin: germline.
Comment: The p.K172E variant (also known as c.514A>G), located in coding exon 1 of the CDK12 gene, results from an A to G substitution at nucleotide position 514. The lysine at codon 172 is replaced by glutamic acid, an amino acid with similar properties. This amino acid position is conserved. In addition, this alteration is predicted to be tolerated by in silico analysis. Based on the available evidence, the clinical significance of this variant remains unclear.